The following is an entry in ClinVar:

ClinVar aggregate classification (germline): Uncertain significance. Review status: criteria provided, multiple submitters, no conflicts (2 of 4 stars). 2 submissions from 2 submitters: Uncertain significance (2). Last evaluated 2025-04-03.

Allele frequency attached by ClinVar (database versions not stated): gnomAD exomes 0.00001 and 0.00004; gnomAD 0.00002 and 0.00003; TOPMed 0.00007.
gnomAD v4.1: 63 of 1,546,370 alleles (0.0041%); highest among the groups gnomAD compares: Admixed American, 0.012%; no homozygotes.

Submissions (2):

Ambry Genetics
Classification: Uncertain significance. Last evaluated: 2025-04-03. Review status: criteria provided, single submitter. Criteria: Ambry Variant Classification Scheme 2023. Collection method: clinical testing. Allele origin: germline.

Labcorp Genetics (formerly Invitae), Labcorp
Classification: Uncertain significance. Last evaluated: 2021-09-26. Review status: criteria provided, single submitter. Criteria: Invitae Variant Classification Sherloc (09022015). Collection method: clinical testing. Allele origin: germline.
Comment: In summary, the available evidence is currently insufficient to determine the role of this variant in disease. Therefore, it has been classified as a Variant of Uncertain Significance. Algorithms developed to predict the effect of sequence changes on RNA splicing suggest that this variant may create or strengthen a splice site. Algorithms developed to predict the effect of missense changes on protein structure and function are either unavailable or do not agree on the potential impact of this missense change (SIFT: "Tolerated"; PolyPhen-2: "Probably Damaging"; Align-GVGD: "Class C0"). This variant has not been reported in the literature in individuals affected with DGKZ-related conditions. The frequency data for this variant in the population databases is considered unreliable, as metrics indicate poor data quality at this position in the ExAC database. This sequence change replaces glycine with serine at codon 182 of the DGKZ protein (p.Gly182Ser). The glycine residue is weakly conserved and there is a small physicochemical difference between glycine and serine.

NM_001199267.2(DGKZ):c.162-491G>A

Gene: DGKZ (diacylglycerol kinase zeta; plus strand). Cytogenetic location: 11p11.2.
Variant type: single nucleotide variant.
Coding change: c.162-491G>A on transcript NM_001199267.2 (MANE Select); 491 bases into the intron before coding-DNA position 162, G replaced by A.
Molecular consequence: intron variant. On other transcripts: missense variant (1).
Genome position (GRCh38, 1-based): chr11:46,366,800, G>A. VCF-style: chr11-46366800-G-A. GRCh37 (hg19) VCF-style: chr11-46388350-G-A.
Other names: c.544G>A (NM_001105540.1); c.544G>A, p.Gly182Ser (NM_001105540.2); c.213-491G>A (NM_201532.3); c.177-491G>A (NM_201533.3); c.162-491G>A (NM_001199266.2, NM_003646.4, NM_001199268.2); short protein forms G182S.
Identifiers: ClinVar variation 1442493 (VCV001442493.7), dbSNP rs768435769, ClinGen allele CA5962184.
Genomic context (GRCh38, chr11:46,366,800, plus strand): 5'-GCCTCCTCCCACCTGCTCCCCGCGGATGCCGTATATGACCACGCTCTCTGGGGCCTGCAC[G>A]GCTACTATCGGCGCCTCAGCCAGCGGCGGCCCTCAGGCCAGCACCCTGGCCCTGGGGGCC-3'